The following is an entry in ClinVar:

NM_001367561.1(DOCK7):c.4235G>A (p.Arg1412Gln)

Gene: DOCK7 (dedicator of cytokinesis 7; minus strand). Cytogenetic location: 1p31.3.
Variant type: single nucleotide variant.
Coding change: c.4235G>A on transcript NM_001367561.1 (MANE Select); coding-DNA position 4235, G replaced by A.
Protein change: p.Arg1412Gln; replaces arginine 1412 with glutamine.
Molecular consequence: missense variant.
Genome position (GRCh38, 1-based): chr1:62,513,491, C>T on the plus strand (G>A on the coding strand, the complement: DOCK7 is on the minus strand). VCF-style: chr1-62513491-C-T. GRCh37 (hg19) VCF-style: chr1-62979162-C-T.
Other names: c.4235G>A, p.Arg1412Gln (NM_001271999.2, NM_001330614.2); c.4142G>A, p.Arg1381Gln (NM_001272000.2, NM_001272001.2, NM_033407.4); short protein forms R1381Q, R1412Q.
Identifiers: ClinVar variation 653381 (VCV000653381.9), dbSNP rs777255776, ClinGen allele CA885770.

ClinVar aggregate classification (germline): Uncertain significance (1 of 4 stars; one submission).

Conditions:
Developmental and epileptic encephalopathy, 23 (DEE23). Also called: Epileptic encephalopathy, early infantile, 23. Identifiers: Orphanet 411986, MedGen C4014492, MONDO:0014371, OMIM 615859.

Allele frequency attached by ClinVar (database versions not stated): ExAC 0.00001; gnomAD 0.00001; gnomAD exomes 0.00001; TOPMed 0.00001.
gnomAD v4.1: 11 of 1,613,776 alleles (0.00068%); highest among the groups gnomAD compares: African/African-American, 0.0013%; no homozygotes.

Submission:

Labcorp Genetics (formerly Invitae), Labcorp
Classification: Uncertain significance for Developmental and epileptic encephalopathy, 23. Last evaluated: 2022-06-10. Review status: criteria provided, single submitter. Criteria: Invitae Variant Classification Sherloc (09022015). Collection method: clinical testing. Allele origin: germline.
Comment: In summary, the available evidence is currently insufficient to determine the role of this variant in disease. Therefore, it has been classified as a Variant of Uncertain Significance. Algorithms developed to predict the effect of missense changes on protein structure and function (SIFT, PolyPhen-2, Align-GVGD) all suggest that this variant is likely to be tolerated. ClinVar contains an entry for this variant (Variation ID: 653381). This variant has not been reported in the literature in individuals affected with DOCK7-related conditions. This variant is present in population databases (rs777255776, gnomAD 0.02%). This sequence change replaces arginine, which is basic and polar, with glutamine, which is neutral and polar, at codon 1412 of the DOCK7 protein (p.Arg1412Gln).